The following is an entry in ClinVar:

ClinVar aggregate classification (germline): Uncertain significance (1 of 4 stars; one submission).

Conditions:
Cardiovascular phenotype. Identifiers: MedGen CN230736.

Allele frequency attached by ClinVar (database versions not stated): gnomAD exomes below 0.00001; TOPMed below 0.00001.
gnomAD v4.1: 2 of 1,613,524 alleles (0.00012%); highest among the groups gnomAD compares: African/African-American, 0.0013%; no homozygotes.

Submission:

Ambry Genetics
Classification: Uncertain significance for Cardiovascular phenotype. Last evaluated: 2022-10-12. Review status: criteria provided, single submitter. Criteria: Ambry Variant Classification Scheme 2023. Collection method: clinical testing. Allele origin: germline.
Comment: The p.I3895V variant (also known as c.11683A>G), located in coding exon 18 of the ALMS1 gene, results from an A to G substitution at nucleotide position 11683. The isoleucine at codon 3895 is replaced by valine, an amino acid with highly similar properties. This amino acid position is well conserved in available vertebrate species. In addition, the in silico prediction for this alteration is inconclusive. Since supporting evidence is limited at this time, the clinical significance of this alteration remains unclear.

NM_001378454.1(ALMS1):c.11680A>G (p.Ile3894Val)

Gene: ALMS1 (ALMS1 centrosome and basal body associated protein; plus strand). Cytogenetic location: 2p13.1.
Variant type: single nucleotide variant.
Coding change: c.11680A>G on transcript NM_001378454.1 (MANE Select); coding-DNA position 11680, A replaced by G.
Protein change: p.Ile3894Val; replaces isoleucine 3894 with valine.
Molecular consequence: missense variant.
Genome position (GRCh38, 1-based): chr2:73,600,689, A>G. VCF-style: chr2-73600689-A-G. GRCh37 (hg19) VCF-style: chr2-73827816-A-G.
Other names: c.11683A>G, p.Ile3895Val (NM_015120.4); short protein forms I3894V, I3895V.
Identifiers: ClinVar variation 1738598 (VCV001738598.2), dbSNP rs1675658974, ClinGen allele CA347264201.